The following is an entry in ClinVar:

ClinVar aggregate classification (germline): Conflicting classifications of pathogenicity. Review status: criteria provided, conflicting classifications (1 of 4 stars). 3 submissions from 3 submitters: Uncertain significance (2); Benign (1). Last evaluated 2025-08-01.

Conditions:
Tuberous sclerosis 2 (TSC2). Identifiers: Orphanet 805, MedGen C1860707, MONDO:0013199, OMIM 613254.
Hereditary cancer-predisposing syndrome. Also called: Neoplastic Syndromes, Hereditary; Hereditary neoplastic syndrome; Hereditary Cancer Syndrome; Tumor predisposition. Identifiers: Orphanet 140162, MedGen C0027672, MeSH D009386, MONDO:0015356.

Allele frequency attached by ClinVar (database versions not stated): gnomAD exomes 0.00001; ESP Exome Variant Server 0.00008.
gnomAD v4.1: 4 of 1,586,040 alleles (0.00025%); highest among the groups gnomAD compares: Non-Finnish European, 0.00034%; no homozygotes.

Submissions (3):

Ambry Genetics
Classification: Uncertain significance for Hereditary cancer-predisposing syndrome. Last evaluated: 2025-08-01. Review status: criteria provided, single submitter. Criteria: Ambry Variant Classification Scheme 2023. Collection method: clinical testing. Allele origin: germline.
Comment: The p.A80V variant (also known as c.239C>T), located in coding exon 3 of the TSC2 gene, results from a C to T substitution at nucleotide position 239. The alanine at codon 80 is replaced by valine, an amino acid with similar properties. This amino acid position is highly conserved in available vertebrate species. In addition, the in silico prediction for this alteration is inconclusive. Since supporting evidence is limited at this time, the clinical significance of this alteration remains unclear.

Labcorp Genetics (formerly Invitae), Labcorp
Classification: Benign for Tuberous sclerosis 2. Last evaluated: 2025-05-18. Review status: criteria provided, single submitter. Criteria: Invitae Variant Classification Sherloc (09022015). Collection method: clinical testing. Allele origin: germline.

Sema4
Classification: Uncertain significance for Hereditary cancer-predisposing syndrome. Last evaluated: 2021-06-02. Review status: criteria provided, single submitter. Criteria: Sema4 Curation Guidelines. Collection method: curation. Allele origin: germline.
Comment: The TSC2 c.239C>T (p.A80V) variant has not been reported in the literature to our knowledge. This variant was not observed in the large and broad cohorts of the Genome Aggregation Database (PMID: 32461654), but has been reported in ClinVar (Variation ID 656547). This variant involves a highly conserved amino acid, and computational analyses do not provide strong support for or against an impact to the protein, though these predictions have not been confirmed by published functional studies. The overall evidence is insufficient to meet ACMG/AMP criteria for classifying it as benign or pathogenic. In summary, the clinical significance of this variant is currently uncertain.

NM_000548.5(TSC2):c.239C>T (p.Ala80Val)

Gene: TSC2 (TSC complex subunit 2; plus strand). Cytogenetic location: 16p13.3.
Variant type: single nucleotide variant.
Coding change: c.239C>T on transcript NM_000548.5 (MANE Select); coding-DNA position 239, C replaced by T.
Protein change: p.Ala80Val; replaces alanine 80 with valine.
Molecular consequence: missense variant. On other transcripts: intron variant (2).
Genome position (GRCh38, 1-based): chr16:2,053,355, C>T. VCF-style: chr16-2053355-C-T. GRCh37 (hg19) VCF-style: chr16-2103356-C-T.
Other names: c.239C>T, p.Ala80Val (NM_001077183.3, NM_001114382.3, NM_001363528.2 and 3 more transcripts); c.92C>T, p.Ala31Val (NM_001318829.2); c.272C>T, p.Ala91Val (NM_001318832.2); c.226-941C>T (NM_001318827.2); c.-1-2841C>T (NM_001318831.2); short protein forms A80V, A91V, A31V.
Identifiers: ClinVar variation 656547 (VCV000656547.12), dbSNP rs142580483, ClinGen allele CA276771032.